The following is an entry in ClinVar:

NM_001127222.2(CACNA1A):c.2645C>T (p.Pro882Leu)

Gene: CACNA1A (calcium voltage-gated channel subunit alpha1 A; minus strand). Cytogenetic location: 19p13.13.
Variant type: single nucleotide variant.
Coding change: c.2645C>T on transcript NM_001127222.2 (MANE Select); coding-DNA position 2645, C replaced by T.
Protein change: p.Pro882Leu; replaces proline 882 with leucine.
Molecular consequence: missense variant.
Genome position (GRCh38, 1-based): chr19:13,298,988, G>A on the plus strand (C>T on the coding strand, the complement: CACNA1A is on the minus strand). VCF-style: chr19-13298988-G-A. GRCh37 (hg19) VCF-style: chr19-13409802-G-A.
Other names: c.2657C>T, p.Pro886Leu (NM_000068.4, NM_023035.3); c.2648C>T, p.Pro883Leu (NM_001127221.2, NM_001174080.2); short protein forms P882L, P883L, P886L.
Identifiers: ClinVar variation 3136301 (VCV003136301.3), dbSNP rs2057732172, ClinGen allele CA404343014.

ClinVar aggregate classification (germline): Uncertain significance. Review status: criteria provided, multiple submitters, no conflicts (2 of 4 stars). 2 submissions from 2 submitters: Uncertain significance (2). Last evaluated 2024-08-29.

Conditions:
Developmental and epileptic encephalopathy, 42 (DEE42A). Also called: DEVELOPMENTAL AND EPILEPTIC ENCEPHALOPATHY 42A; EPILEPTIC ENCEPHALOPATHY, EARLY INFANTILE, 42A; Epileptic encephalopathy, early infantile, 42. Identifiers: MedGen C4310716, MONDO:0014917, OMIM 617106.
Episodic ataxia type 2 (EA2). Also called: ATAXIA, EPISODIC, WITH NYSTAGMUS; ATAXIA, FAMILIAL PAROXYSMAL; CEREBELLAR ATAXIA, PAROXYSMAL, ACETAZOLAMIDE-RESPONSIVE; CEREBELLOPATHY, HEREDITARY PAROXYSMAL; EPISODIC ATAXIA, NYSTAGMUS-ASSOCIATED; ACETAZOLAMIDE-RESPONSIVE HEREDITARY PAROXYSMAL CEREBELLAR ATAXIA. Identifiers: Orphanet 97, MedGen C1720416, MONDO:0007163, OMIM 108500.
Inborn genetic diseases. Identifiers: MedGen C0950123, MeSH D030342.

Allele frequency attached by ClinVar (database versions not stated): gnomAD 0.00001; TOPMed 0.00001.
gnomAD v4.1: 3 of 1,580,268 alleles (0.00019%); highest among the groups gnomAD compares: Admixed American, 0.0018%; no homozygotes.

Submissions (2):

Labcorp Genetics (formerly Invitae), Labcorp
Classification: Uncertain significance for Developmental and epileptic encephalopathy, 42; Episodic ataxia type 2. Last evaluated: 2024-08-29. Review status: criteria provided, single submitter. Criteria: Invitae Variant Classification Sherloc (09022015). Collection method: clinical testing. Allele origin: germline.
Comment: This sequence change replaces proline, which is neutral and non-polar, with leucine, which is neutral and non-polar, at codon 883 of the CACNA1A protein (p.Pro883Leu). This variant is not present in population databases (gnomAD no frequency). This variant has not been reported in the literature in individuals affected with CACNA1A-related conditions. Invitae Evidence Modeling of protein sequence and biophysical properties (such as structural, functional, and spatial information, amino acid conservation, physicochemical variation, residue mobility, and thermodynamic stability) indicates that this missense variant is not expected to disrupt CACNA1A protein function with a negative predictive value of 95%. In summary, the available evidence is currently insufficient to determine the role of this variant in disease. Therefore, it has been classified as a Variant of Uncertain Significance.

Ambry Genetics
Classification: Uncertain significance for Inborn genetic diseases. Last evaluated: 2024-02-12. Review status: criteria provided, single submitter. Criteria: Ambry Variant Classification Scheme 2023. Collection method: clinical testing. Allele origin: germline.